The following is an entry in ClinVar:

NM_000263.4(NAGLU):c.1264G>A (p.Ala422Thr)

Gene: NAGLU (N-acetyl-alpha-glucosaminidase; plus strand). Cytogenetic location: 17q21.2.
Variant type: single nucleotide variant.
Coding change: c.1264G>A on transcript NM_000263.4 (MANE Select); coding-DNA position 1264, G replaced by A.
Protein change: p.Ala422Thr; replaces alanine 422 with threonine.
Molecular consequence: missense variant.
Genome position (GRCh38, 1-based): chr17:42,543,270, G>A. VCF-style: chr17-42543270-G-A. GRCh37 (hg19) VCF-style: chr17-40695288-G-A.
Other names: short protein forms A422T.
Identifiers: ClinVar variation 1943522 (VCV001943522.2), dbSNP rs1360051608, ClinGen allele CA399601646.

ClinVar aggregate classification (germline): Uncertain significance (1 of 4 stars; one submission).

Conditions:
Mucopolysaccharidosis, MPS-III-B (MPS3B). Also called: N-ACETYL-ALPHA-D-GLUCOSAMINIDASE DEFICIENCY; NAGLU DEFICIENCY; SANFILIPPO SYNDROME B; MPS III B; Mucopolysaccharidosis type IIIB (Sanfilippo B); MPS IIIB (Sanfilippo Syndrome Type B). Identifiers: Orphanet 79270, MedGen C0086648, MONDO:0009656, OMIM 252920.
Charcot-Marie-Tooth disease axonal type 2V. Also called: CHARCOT-MARIE-TOOTH NEUROPATHY, TYPE 2V; CHARCOT-MARIE-TOOTH DISEASE, AXONAL, AUTOSOMAL DOMINANT, TYPE 2V. Identifiers: Orphanet 447964, MedGen C5569050, MONDO:0014665, OMIM 616491.

Allele frequency attached by ClinVar (database versions not stated): gnomAD exomes below 0.00001.
gnomAD v4.1: 2 of 1,614,054 alleles (0.00012%); highest among the groups gnomAD compares: Admixed American, 0.0033%; no homozygotes.

Submission:

Labcorp Genetics (formerly Invitae), Labcorp
Classification: Uncertain significance for Charcot-Marie-Tooth disease axonal type 2V; Mucopolysaccharidosis, MPS-III-B. Last evaluated: 2022-05-04. Review status: criteria provided, single submitter. Criteria: Invitae Variant Classification Sherloc (09022015). Collection method: clinical testing. Allele origin: germline.
Comment: This sequence change replaces alanine, which is neutral and non-polar, with threonine, which is neutral and polar, at codon 422 of the NAGLU protein (p.Ala422Thr). This variant is present in population databases (no rsID available, gnomAD 0.003%). This variant has not been reported in the literature in individuals affected with NAGLU-related conditions. Advanced modeling of protein sequence and biophysical properties (such as structural, functional, and spatial information, amino acid conservation, physicochemical variation, residue mobility, and thermodynamic stability) performed at Invitae indicates that this missense variant is not expected to disrupt NAGLU protein function. In summary, the available evidence is currently insufficient to determine the role of this variant in disease. Therefore, it has been classified as a Variant of Uncertain Significance.